The following is an entry in ClinVar:

NM_016373.4:c.517-92_606-43del

Gene: WWOX (WW domain containing oxidoreductase; plus strand).
Variant type: Deletion.
Other names: c.517-92_606-43del (NM_016373.4).
Identifiers: ClinVar variation 3366923 (VCV003366923.1).

ClinVar aggregate classification (germline): Likely pathogenic (1 of 4 stars; one submission).

Conditions:
Developmental and epileptic encephalopathy, 28 (DEE28). Also called: Epileptic encephalopathy, early infantile, 28. Identifiers: Orphanet 442835, MedGen C4015519, MONDO:0014533, OMIM 616211.

Submission:

Kids Research, The Children's Hospital at Westmead
Classification: Likely pathogenic for Developmental and epileptic encephalopathy, 28. Last evaluated: 2024-09-20. Review status: criteria provided, single submitter. Criteria: ACMG Guidelines, 2015. Collection method: research. Allele origin: germline. Affected: yes.
Comment: PVS1, PM2